The following is an entry in ClinVar:

ClinVar aggregate classification (germline): Likely benign. Review status: criteria provided, multiple submitters, no conflicts (2 of 4 stars). 4 submissions from 4 submitters: Likely benign (2). 2 of the submissions do not count toward it. Last evaluated 2026-01-26.

Conditions:
IFT27-related disorder. Also called: IFT27-related condition.
Retinal dystrophy. Also called: Inherited retinal dystrophy. Identifiers: Orphanet 71862, MedGen C0854723, MeSH D058499, MONDO:0019118, HP:0000556.

Allele frequency attached by ClinVar (database versions not stated): 1000 Genomes Project 30x 0.00016; 1000 Genomes Project 0.00020; ExAC 0.00087; gnomAD exomes 0.00088 and 0.00205; TOPMed 0.00094; gnomAD 0.00108 and 0.00112; ESP Exome Variant Server 0.00131.

Submissions (4):

Labcorp Genetics (formerly Invitae), Labcorp
Classification: Likely benign. Last evaluated: 2026-01-26. Review status: criteria provided, single submitter. Criteria: Invitae Variant Classification Sherloc (09022015). Collection method: clinical testing. Allele origin: germline.

Blueprint Genetics
Classification: Likely benign. Last evaluated: 2024-11-21. Review status: criteria provided, single submitter. Criteria: ACMG Guidelines, 2015. Collection method: clinical testing. Allele origin: germline.

PreventionGenetics, part of Exact Sciences
Classification: Likely benign for IFT27-related condition. Last evaluated: 2022-01-31. Review status: no assertion criteria provided. Collection method: clinical testing. Allele origin: germline. Not counted in ClinVar's aggregate classification.
Comment: This variant is classified as likely benign based on ACMG/AMP sequence variant interpretation guidelines (Richards et al. 2015 PMID: 25741868, with internal and published modifications).

Institute of Human Genetics, Univ. Regensburg, Univ. Regensburg
Classification: Uncertain significance for Retinal dystrophy. Last evaluated: 2022-01-01. Review status: no assertion criteria provided. Criteria: ACMG Guidelines, 2015. Collection method: clinical testing. Allele origin: germline. Affected: yes. Not counted in ClinVar's aggregate classification.

NM_001177701.3(IFT27):c.322C>T (p.Arg108Trp)

Genes: CACNG2-DT (CACNG2 divergent transcript; plus strand), IFT27 (intraflagellar transport 27; minus strand). Cytogenetic location: 22q12.3.
Variant type: single nucleotide variant.
Coding change: c.322C>T on transcript NM_001177701.3 (MANE Select); coding-DNA position 322, C replaced by T.
Protein change: p.Arg108Trp; replaces arginine 108 with tryptophan.
Molecular consequence: missense variant.
Genome position (GRCh38, 1-based): chr22:36,763,949, G>A on the plus strand (C>T on the coding strand, the complement: IFT27 is on the minus strand). VCF-style: chr22-36763949-G-A. GRCh37 (hg19) VCF-style: chr22-37159993-G-A.
Other names: c.322C>T, p.Arg108Trp (NM_001363003.2); c.319C>T, p.Arg107Trp (NM_006860.5); short protein forms R108W, R107W.
Identifiers: ClinVar variation 840668 (VCV000840668.11), dbSNP rs143842386, ClinGen allele CA10212414.